The following is an entry in ClinVar:

ClinVar aggregate classification (germline): Uncertain significance. Review status: criteria provided, multiple submitters, no conflicts (2 of 4 stars). 2 submissions from 2 submitters: Uncertain significance (2). Last evaluated 2025-04-20.

Conditions:
Hereditary cancer-predisposing syndrome. Also called: Tumor predisposition; Neoplastic Syndromes, Hereditary; Hereditary neoplastic syndrome; Hereditary Cancer Syndrome. Identifiers: Orphanet 140162, MedGen C0027672, MeSH D009386, MONDO:0015356.

Allele frequency attached by ClinVar (database versions not stated): gnomAD below 0.00001 and 0.00001; ExAC 0.00002; gnomAD exomes 0.00002.
gnomAD v4.1: 6 of 1,613,160 alleles (0.00037%); highest among the groups gnomAD compares: South Asian, 0.0066%; no homozygotes.

Submissions (2):

Ambry Genetics
Classification: Uncertain significance for Hereditary cancer-predisposing syndrome. Last evaluated: 2025-04-20. Review status: criteria provided, single submitter. Criteria: Ambry Variant Classification Scheme 2023. Collection method: clinical testing. Allele origin: germline.
Comment: The p.G872E variant (also known as c.2615G>A), located in coding exon 19 of the MSH3 gene, results from a G to A substitution at nucleotide position 2615. The glycine at codon 872 is replaced by glutamic acid, an amino acid with similar properties. This amino acid position is well conserved in available vertebrate species. In addition, this alteration is predicted to be tolerated by in silico analysis. Since supporting evidence is limited at this time, the clinical significance of this alteration remains unclear.

Labcorp Genetics (formerly Invitae), Labcorp
Classification: Uncertain significance. Last evaluated: 2024-11-10. Review status: criteria provided, single submitter. Criteria: Invitae Variant Classification Sherloc (09022015). Collection method: clinical testing. Allele origin: germline.
Comment: This sequence change replaces glycine, which is neutral and non-polar, with glutamic acid, which is acidic and polar, at codon 872 of the MSH3 protein (p.Gly872Glu). This variant is present in population databases (rs768150895, gnomAD 0.01%). This variant has not been reported in the literature in individuals affected with MSH3-related conditions. ClinVar contains an entry for this variant (Variation ID: 1018311). An algorithm developed to predict the effect of missense changes on protein structure and function (PolyPhen-2) suggests that this variant is likely to be disruptive. In summary, the available evidence is currently insufficient to determine the role of this variant in disease. Therefore, it has been classified as a Variant of Uncertain Significance.

NM_002439.5(MSH3):c.2615G>A (p.Gly872Glu)

Gene: MSH3 (mutS homolog 3; plus strand). Cytogenetic location: 5q14.1.
Variant type: single nucleotide variant.
Coding change: c.2615G>A on transcript NM_002439.5 (MANE Select); coding-DNA position 2615, G replaced by A.
Protein change: p.Gly872Glu; replaces glycine 872 with glutamic acid.
Molecular consequence: missense variant.
Genome position (GRCh38, 1-based): chr5:80,792,804, G>A. VCF-style: chr5-80792804-G-A. GRCh37 (hg19) VCF-style: chr5-80088623-G-A.
Other names: short protein forms G872E.
Identifiers: ClinVar variation 1018311 (VCV001018311.12), dbSNP rs768150895, ClinGen allele CA3328303.